The following is an entry in ClinVar:

NM_004817.4(TJP2):c.1362G>A (p.Ala454=)

Gene: TJP2 (tight junction protein 2; plus strand). Cytogenetic location: 9q21.11.
Variant type: single nucleotide variant.
Coding change: c.1362G>A on transcript NM_004817.4 (MANE Select); coding-DNA position 1362, G replaced by A.
Protein change: p.Ala454=; no amino-acid change (alanine 454 retained).
Molecular consequence: synonymous variant.
Genome position (GRCh38, 1-based): chr9:69,228,023, G>A. VCF-style: chr9-69228023-G-A. GRCh37 (hg19) VCF-style: chr9-71842939-G-A.
Other names: c.1293G>A, p.Ala431= (NM_001170414.2, NM_001369871.1); c.1374G>A, p.Ala458= (NM_001170415.1, NM_001369874.1, NM_001369875.1); c.1455G>A, p.Ala485= (NM_001170416.2); c.1287G>A, p.Ala429= (NM_001369870.1); c.1362G>A, p.Ala454= (NM_001369872.1, NM_001369873.1, NM_201629.3); c.1362G>A (NM_004817.3).
Identifiers: ClinVar variation 2958973 (VCV002958973.4), dbSNP rs768414303, ClinGen allele CA5073286.

ClinVar aggregate classification (germline): Likely benign. Review status: criteria provided, multiple submitters, no conflicts (2 of 4 stars). 2 submissions from 2 submitters: Likely benign (2). Last evaluated 2026-03-27.

Conditions:
TJP2-related disorder. Also called: TJP2-related condition.

Allele frequency attached by ClinVar (database versions not stated): ExAC 0.00001; gnomAD 0.00001; gnomAD exomes 0.00001.
gnomAD v4.1: 18 of 1,613,948 alleles (0.0011%); highest among the groups gnomAD compares: East Asian, 0.0022%; no homozygotes.

Submissions (2):

PreventionGenetics, part of Exact Sciences
Classification: Likely benign for TJP2-related condition. Last evaluated: 2026-03-27. Review status: criteria provided, single submitter. Criteria: ACMG Guidelines, 2015. Collection method: clinical testing. Allele origin: germline.
Comment: This variant is classified as likely benign based on ACMG/AMP sequence variant interpretation guidelines (Richards et al. 2015 PMID: 25741868, with internal and published modifications).

Labcorp Genetics (formerly Invitae), Labcorp
Classification: Likely benign. Last evaluated: 2023-10-17. Review status: criteria provided, single submitter. Criteria: Invitae Variant Classification Sherloc (09022015). Collection method: clinical testing. Allele origin: germline.